The following is an entry in ClinVar:

ClinVar aggregate classification (germline): Likely pathogenic (1 of 4 stars; one submission).

Conditions:
Alstrom syndrome (ALMS). Identifiers: Orphanet 64, MedGen C0268425, MONDO:0008763, OMIM 203800.

Submission:

Labcorp Genetics (formerly Invitae), Labcorp
Classification: Likely pathogenic for Alstrom syndrome. Last evaluated: 2025-10-08. Review status: criteria provided, single submitter. Criteria: Invitae Variant Classification Sherloc (09022015). Collection method: clinical testing. Allele origin: germline.
Comment: This sequence change affects a donor splice site in intron 8 of the ALMS1 gene. It is expected to disrupt RNA splicing. Variants that disrupt the donor or acceptor splice site typically lead to a loss of protein function (PMID: 16199547), and loss-of-function variants in ALMS1 are known to be pathogenic (PMID: 17594715). This variant is not present in population databases (gnomAD no frequency). This variant has not been reported in the literature in individuals affected with ALMS1-related conditions. ClinVar contains an entry for this variant (Variation ID: 2010896). Algorithms developed to predict the effect of sequence changes on RNA splicing suggest that this variant may disrupt the consensus splice site. In summary, the currently available evidence indicates that the variant is pathogenic, but additional data are needed to prove that conclusively. Therefore, this variant has been classified as Likely Pathogenic.

Literature cited by the submitters: PubMed 16199547; PubMed 17594715.

NM_001378454.1(ALMS1):c.7540+1G>A

Gene: ALMS1 (ALMS1 centrosome and basal body associated protein; plus strand). Cytogenetic location: 2p13.1.
Variant type: single nucleotide variant.
Coding change: c.7540+1G>A on transcript NM_001378454.1 (MANE Select); the canonical splice donor site of the intron after coding-DNA position 7540, G replaced by A.
Molecular consequence: splice donor variant.
Genome position (GRCh38, 1-based): chr2:73,454,068, G>A. VCF-style: chr2-73454068-G-A. GRCh37 (hg19) VCF-style: chr2-73681195-G-A.
Other names: c.7540+1G>A (NM_015120.4).
Identifiers: ClinVar variation 2010896 (VCV002010896.4), dbSNP rs746546834, ClinGen allele CA347292691.